The following is an entry in ClinVar:

ClinVar aggregate classification (germline): Conflicting classifications of pathogenicity. Review status: criteria provided, conflicting classifications (1 of 4 stars). 8 submissions from 8 submitters: Uncertain significance (2); Benign (3); Likely benign (3). Last evaluated 2026-09-10.

Conditions:
HOXB13-related disorder. Also called: HOXB13-related condition; HOXB13-related disorders.
Hereditary cancer-predisposing syndrome. Also called: Neoplastic Syndromes, Hereditary; Tumor predisposition; Hereditary Cancer Syndrome; Hereditary neoplastic syndrome. Identifiers: Orphanet 140162, MedGen C0027672, MeSH D009386, MONDO:0015356.
Prostate cancer, hereditary, 9 (HPC9). Identifiers: Orphanet 1331, MedGen C1970250, MONDO:0012597, OMIM 610997.

Allele frequency attached by ClinVar (database versions not stated): gnomAD 0.00008 and 0.00013; TOPMed 0.00010; ExAC 0.00024; 1000 Genomes Project 30x 0.00094; 1000 Genomes Project 0.00100.
gnomAD v4.1: 146 of 1,614,186 alleles (0.009%); highest among the groups gnomAD compares: East Asian, 0.22%; 1 homozygote.

Submissions (8):

PreventionGenetics, part of Exact Sciences
Classification: Likely benign for HOXB13-related condition. Last evaluated: 2026-09-10. Review status: criteria provided, single submitter. Criteria: ACMG Guidelines, 2015. Collection method: clinical testing. Allele origin: germline.
Comment: This variant is classified as likely benign based on ACMG/AMP sequence variant interpretation guidelines (Richards et al. 2015 PMID: 25741868, with internal and published modifications).

Labcorp Genetics (formerly Invitae), Labcorp
Classification: Benign. Last evaluated: 2026-01-27. Review status: criteria provided, single submitter. Criteria: Invitae Variant Classification Sherloc (09022015). Collection method: clinical testing. Allele origin: germline.

Ambry Genetics
Classification: Benign for Hereditary cancer-predisposing syndrome. Last evaluated: 2025-08-21. Review status: criteria provided, single submitter. Criteria: Ambry Variant Classification Scheme 2023. Collection method: clinical testing. Allele origin: germline.

GeneDx
Classification: Uncertain significance. Last evaluated: 2025-04-01. Review status: criteria provided, single submitter. Criteria: GeneDx Variant Classification Process June 2021. Collection method: clinical testing. Allele origin: germline. Affected: yes.
Comment: In silico analysis indicates that this missense variant does not alter protein structure/function; Reported in both prostate cancer cases and unaffected controls (PMID: 22781434, 23555315, 31214711); This variant is associated with the following publications: (PMID: 22696596, 27424772, 22781434, 28272408, 25668207, 35734583, 31214711, 23555315, 36243179, 19389631)

Dasa
Classification: Likely benign. Last evaluated: 2025-01-14. Review status: criteria provided, single submitter. Criteria: DASA Assertion Criteria. Collection method: clinical testing. Allele origin: germline.
Comment: NM_006361.6(HOXB13):c.832G>T (p.Val278Leu) is a missense variant that results in the substitution of valine with leucine. Population frequency is inconsistent with a disease-causing role for this variant. Computational prediction algorithms are consistent with a benign effect. Therefore, based on the currently available evidence, this variant is classified as likely benign.

Women's Health and Genetics/Laboratory Corporation of America, LabCorp
Classification: Likely benign. Last evaluated: 2023-03-02. Review status: criteria provided, single submitter. Criteria: LabCorp Variant Classification Summary - May 2015. Collection method: clinical testing. Allele origin: germline.

Quest Diagnostics Nichols Institute San Juan Capistrano
Classification: Benign. Last evaluated: 2021-08-26. Review status: criteria provided, single submitter. Criteria: Quest Diagnostics criteria. Collection method: clinical testing. Allele origin: unknown.

Fulgent Genetics
Classification: Uncertain significance for Prostate cancer, hereditary, 9. Last evaluated: 2018-10-31. Review status: criteria provided, single submitter. Criteria: ACMG Guidelines, 2015. Collection method: clinical testing. Allele origin: unknown.

Literature cited by the submitters: PubMed 22781434 (cited by Ambry Genetics and Quest Diagnostics Nichols Institute San Juan Capistrano); PubMed 31214711 (cited by Quest Diagnostics Nichols Institute San Juan Capistrano).

NM_006361.6(HOXB13):c.832G>T (p.Val278Leu)

Gene: HOXB13 (homeobox B13; minus strand). Cytogenetic location: 17q21.32.
Variant type: single nucleotide variant.
Coding change: c.832G>T on transcript NM_006361.6 (MANE Select); coding-DNA position 832, G replaced by T.
Protein change: p.Val278Leu; replaces valine 278 with leucine.
Molecular consequence: missense variant.
Genome position (GRCh38, 1-based): chr17:48,726,813, C>A on the plus strand (G>T on the coding strand, the complement: HOXB13 is on the minus strand). VCF-style: chr17-48726813-C-A. GRCh37 (hg19) VCF-style: chr17-46804175-C-A.
Other names: p.V278L:GTG>TTG; short protein forms V278L.
Identifiers: ClinVar variation 128038 (VCV000128038.32), dbSNP rs200997384, ClinGen allele CA288245.
Genomic context (GRCh38, chr17:48,726,813, plus strand): 5'-CCCACTTTCGCTCCTCCCACCCAGGCAAGGAGATCTCTTAAGGGGTAGCGCTGTTCTTCA[C>A]CTTGGCGAGAACCTTCTTCTCTTTGACCCGGCGGTTCTGAAACCAGATGGTAATCTGGCG-3'
Protein context (NP_006352.2, residues 268-284): RVKEKKVLAK[Val278Leu]KNSATP